The following is an entry in ClinVar:

ClinVar aggregate classification (germline): Pathogenic (1 of 4 stars; one submission).

Conditions:
Microcephaly-intellectual disability-sensorineural hearing loss-epilepsy-abnormal muscle tone syndrome (NEDHSB). Also called: NEURODEVELOPMENTAL DISORDER WITH HEARING LOSS, SEIZURES, AND BRAIN ABNORMALITIES. Identifiers: Orphanet 457351, MedGen C4225276, MONDO:0014698, OMIM 616577.

Submission:

Labcorp Genetics (formerly Invitae), Labcorp
Classification: Pathogenic for Epilepsy, hearing loss, and mental retardation syndrome. Last evaluated: 2018-04-06. Review status: criteria provided, single submitter. Criteria: Invitae Variant Classification Sherloc (09022015). Collection method: clinical testing. Allele origin: germline.
Comment: This variant is an out-of-frame deletion of the genomic region encompassing exons 12-13 of the SPATA5 gene. This is expected to create a premature translational stop signal and result in an absent or disrupted protein product. This deletion has not been reported in the literature in individuals with SPATA5-related disease. Loss-of-function variants in SPATA5 are known to be pathogenic (PMID: 26299366). For these reasons, this variant has been classified as Pathogenic.

NC_000004.12:g.(?_123056387)_(123057288_?)del

Gene: AFG2A (AFG2 AAA ATPase homolog A; plus strand). Cytogenetic location: 4q28.1.
Variant type: Deletion.
Identifiers: ClinVar variation 583652 (VCV000583652.1).